The following is an entry in ClinVar:

NM_014244.5(ADAMTS2):c.2959-13T>C

Gene: ADAMTS2 (ADAM metallopeptidase with thrombospondin type 1 motif 2; minus strand). Cytogenetic location: 5q35.3.
Variant type: single nucleotide variant.
Coding change: c.2959-13T>C on transcript NM_014244.5 (MANE Select); 13 bases into the intron before coding-DNA position 2959, T replaced by C.
Molecular consequence: intron variant.
Genome position (GRCh38, 1-based): chr5:179,122,786, A>G on the plus strand (T>C on the coding strand, the complement: ADAMTS2 is on the minus strand). VCF-style: chr5-179122786-A-G. GRCh37 (hg19) VCF-style: chr5-178549787-A-G.
Identifiers: ClinVar variation 2083749 (VCV002083749.6), dbSNP rs759056190, ClinGen allele CA3595346.
Genomic context (GRCh38, chr5:179,122,786, plus strand): 5'-GCAGAGCACTGGCCGCTCCTGGGTGCCGTTGCCACAGGTTACTGAGCACTGCAGGGGGAG[A>G]GTCGCCAGGCAGGGTTCACCTCCCACACAGGGCCCGCACTGGCAGAGCTGGAGGAGCCCA-3'

ClinVar aggregate classification (germline): Conflicting classifications of pathogenicity. Review status: criteria provided, conflicting classifications (1 of 4 stars). 3 submissions from 3 submitters: Uncertain significance (1); Likely benign (2). Last evaluated 2026-03-24.

Conditions:
Ehlers-Danlos syndrome, dermatosparaxis type. Also called: EDS VIIC; Dermatosparaxis; Ehlers-Danlos syndrome, type VII, autosomal recessive. Identifiers: Orphanet 1901, MedGen C2700425, MONDO:0009161, OMIM 225410.

Allele frequency attached by ClinVar (database versions not stated): gnomAD 0.00001; TOPMed 0.00003; gnomAD exomes 0.00004.
gnomAD v4.1: 64 of 1,553,924 alleles (0.0041%); highest among the groups gnomAD compares: Non-Finnish European, 0.0054%; no homozygotes.

Submissions (3):

Women's Health and Genetics/Laboratory Corporation of America, LabCorp
Classification: Likely benign. Last evaluated: 2026-03-24. Review status: criteria provided, single submitter. Criteria: LabCorp Variant Classification Summary - May 2015. Collection method: clinical testing. Allele origin: germline.

Labcorp Genetics (formerly Invitae), Labcorp
Classification: Likely benign for Ehlers-Danlos syndrome, dermatosparaxis type. Last evaluated: 2026-01-13. Review status: criteria provided, single submitter. Criteria: Invitae Variant Classification Sherloc (09022015). Collection method: clinical testing. Allele origin: germline.

GeneDx
Classification: Uncertain significance. Last evaluated: 2025-02-11. Review status: criteria provided, single submitter. Criteria: GeneDx Variant Classification Process June 2021. Collection method: clinical testing. Allele origin: germline. Affected: yes.
Comment: Not observed at significant frequency in large population cohorts (gnomAD); Has not been previously published as pathogenic or benign to our knowledge; In silico analysis suggests this variant may impact gene splicing. In the absence of RNA/functional studies, the actual effect of this sequence change is unknown.